The following is an entry in ClinVar:

ClinVar aggregate classification (germline): Uncertain significance (1 of 4 stars; one submission).

Conditions:
Hereditary cancer-predisposing syndrome. Also called: Neoplastic Syndromes, Hereditary; Tumor predisposition; Hereditary neoplastic syndrome; Hereditary Cancer Syndrome. Identifiers: Orphanet 140162, MedGen C0027672, MeSH D009386, MONDO:0015356.

Submission:

Ambry Genetics
Classification: Uncertain significance for Hereditary cancer-predisposing syndrome. Last evaluated: 2026-07-06. Review status: criteria provided, single submitter. Criteria: Ambry Variant Classification Scheme 2023. Collection method: clinical testing. Allele origin: germline.
Comment: The p.A294D variant (also known as c.881C>A), located in coding exon 2 of the AXIN2 gene, results from a C to A substitution at nucleotide position 881. The alanine at codon 294 is replaced by aspartic acid, an amino acid with dissimilar properties. This amino acid position is conserved. In addition, this alteration is predicted to be deleterious by in silico analysis. Based on the available evidence, the clinical significance of this variant remains unclear.

NM_004655.4(AXIN2):c.881C>A (p.Ala294Asp)

Gene: AXIN2 (axin 2; minus strand). Cytogenetic location: 17q24.1.
Variant type: single nucleotide variant.
Coding change: c.881C>A on transcript NM_004655.4 (MANE Select); coding-DNA position 881, C replaced by A.
Protein change: p.Ala294Asp; replaces alanine 294 with aspartic acid.
Molecular consequence: missense variant.
Genome position (GRCh38, 1-based): chr17:65,549,595, G>T on the plus strand (C>A on the coding strand, the complement: AXIN2 is on the minus strand). VCF-style: chr17-65549595-G-T. GRCh37 (hg19) VCF-style: chr17-63545713-G-T.
Other names: c.881C>A, p.Ala294Asp (NM_001363813.1); short protein forms A294D.
Identifiers: ClinVar variation 5032534 (VCV005032534.1).